The following is an entry in ClinVar:

NM_000018.4(ACADVL):c.1411T>C (p.Phe471Leu)

Gene: ACADVL (acyl-CoA dehydrogenase very long chain; plus strand). Cytogenetic location: 17p13.1.
Variant type: single nucleotide variant.
Coding change: c.1411T>C on transcript NM_000018.4 (MANE Select); coding-DNA position 1411, T replaced by C.
Protein change: p.Phe471Leu; replaces phenylalanine 471 with leucine.
Molecular consequence: missense variant.
Genome position (GRCh38, 1-based): chr17:7,224,046, T>C. VCF-style: chr17-7224046-T-C. GRCh37 (hg19) VCF-style: chr17-7127365-T-C.
Other names: NM_001270448.2:c.1183T>C; c.1345T>C, p.Phe449Leu (NM_001033859.3); c.1480T>C, p.Phe494Leu (NM_001270447.2); c.1183T>C, p.Phe395Leu (NM_001270448.2); short protein forms F395L, F449L, F471L, F494L.
Identifiers: ClinVar variation 2671895 (VCV002671895.3), dbSNP rs748964823, ClinGen allele CA8338094.

ClinVar aggregate classification (germline): Uncertain significance. Review status: reviewed by expert panel (3 of 4 stars). 2 submissions from 2 submitters: Uncertain significance (1). 1 of the submissions does not count toward it. Last evaluated 2023-11-28.

Conditions:
Very long chain acyl-CoA dehydrogenase deficiency (ACADVLD). Also called: VLCAD Deficiency; Very Long-Chain Acyl-Coenzyme A Dehydrogenase Deficiency. Identifiers: Orphanet 26793, MedGen C3887523, MONDO:0008723, OMIM 201475.

Allele frequency attached by ClinVar (database versions not stated): ExAC 0.00001.
gnomAD v4.1: 3 of 1,614,070 alleles (0.00019%); highest among the groups gnomAD compares: South Asian, 0.0022%; no homozygotes.

Submissions (2):

ClinGen ACADVL Variant Curation Expert Panel, ClinGen
Classification: Uncertain significance for Very long chain acyl-CoA dehydrogenase deficiency. Last evaluated: 2023-11-28. Review status: reviewed by expert panel. Criteria: clingen acadvl acmg specifications v1. Collection method: curation. Allele origin: germline. Inheritance: Autosomal recessive inheritance.
Comment: The c.1411T>C (NM_000018.4) variant in ACADVL is a missense variant predicted to cause substitution of phenylalanine by leucine at amino acid 471 (p.Phe471Leu). At least one patient with this variant in the homozygous state displayed reduced very long chain acyl CoA dehydrogenase (VLCAD) enzyme activity, which is highly specific for VLCAD deficiency (PM3_Supporting, PP4_moderate; PMID: 24305961, 25834949). This variant is absent from gnomAD v2.1.1 (PM2_Supporting). The computational predictor REVEL gives a score of 0.838, which is above the threshold of 0.75, evidence that correlates with impact to ACADVL function (PP3). Due to limited evidence, this variant is classified as a variant of uncertain significance for autosomal recessive VLCAD deficiency based on the ACMG/AMP criteria applied, as specified by the ClinGen ACADVL Variant Curation Expert Panel: PM2_Supporting, PM3_Supporting, PP3, PP4_Moderate (ACADVL VCEP specifications version 1; approved November 9, 2021).

Labcorp Genetics (formerly Invitae), Labcorp
Classification: Pathogenic for Very long chain acyl-CoA dehydrogenase deficiency. Last evaluated: 2024-05-01. Review status: criteria provided, single submitter. Criteria: Invitae Variant Classification Sherloc (09022015). Collection method: clinical testing. Allele origin: germline. Not counted in ClinVar's aggregate classification.
Comment: This sequence change replaces phenylalanine, which is neutral and non-polar, with leucine, which is neutral and non-polar, at codon 471 of the ACADVL protein (p.Phe471Leu). This variant is present in population databases (rs748964823, gnomAD 0.006%). This missense change has been observed in individual(s) with very-long-chain acyl-CoA dehydrogenase (VLCAD) deficiency (PMID: 25834949). Advanced modeling of protein sequence and biophysical properties (such as structural, functional, and spatial information, amino acid conservation, physicochemical variation, residue mobility, and thermodynamic stability) performed at Invitae indicates that this missense variant is expected to disrupt ACADVL protein function with a positive predictive value of 95%. For these reasons, this variant has been classified as Pathogenic.

Literature cited by the submitters: PubMed 25834949 (cited by Labcorp Genetics (formerly Invitae), Labcorp).